The following is an entry in ClinVar:

NC_000002.11:g.(?_231042234)_(231042416_?)del

Gene: SP110 (SP110 nuclear body protein; minus strand). Cytogenetic location: 2q37.1.
Variant type: Deletion.
Identifiers: ClinVar variation 1460016 (VCV001460016.5).

ClinVar aggregate classification (germline): Pathogenic (1 of 4 stars; one submission).

Conditions:
Hepatic veno-occlusive disease-immunodeficiency syndrome. Also called: Hepatic Veno-Occlusive Disease with Immunodeficiency. Identifiers: Orphanet 79124, MedGen C1856128, MONDO:0009338, OMIM 235550. Disease mechanism: loss of function.

Submission:

Labcorp Genetics (formerly Invitae), Labcorp
Classification: Pathogenic for Hepatic veno-occlusive disease-immunodeficiency syndrome. Last evaluated: 2024-01-01. Review status: criteria provided, single submitter. Criteria: Invitae Variant Classification Sherloc (09022015). Collection method: clinical testing. Allele origin: germline.
Comment: This variant is a gross deletion of the genomic region encompassing exon(s) 14 of the SP110 gene. This deletion is out-of-frame, and is expected to create a premature termination codon and result in an absent or disrupted protein product. Loss-of-function variants in SP110 are known to be pathogenic (PMID: 16648851, 22621957). This variant has not been reported in the literature in individuals affected with SP110-related conditions. For these reasons, this variant has been classified as Pathogenic.

Literature cited by the submitters: PubMed 16648851; PubMed 22621957.